The following is an entry in ClinVar:

ClinVar aggregate classification (germline): Likely pathogenic (1 of 4 stars; one submission).

Conditions:
Autosomal dominant Alport syndrome (ATS3A). Also called: Alport syndrome dominant type; Renal failure and sensorineural hearing loss; ALPORT SYNDROME 3A, AUTOSOMAL DOMINANT. Identifiers: Orphanet 63, Orphanet 88918, MedGen C5882663, MONDO:0007086, OMIM 104200.

Submission:

MVZ Medizinische Genetik Mainz
Classification: Likely pathogenic for Autosomal dominant Alport syndrome. Last evaluated: 2023-05-15. Review status: criteria provided, single submitter. Criteria: UK Practice Guidelines For Variant Classification V4 01 2020. Collection method: clinical testing. Allele origin: germline. Inheritance: Autosomal dominant inheritance. Affected: yes. Observed: 1 variant allele.
Comment: ACMG Criteria: PVS1,PM2_SUP

NM_000091.5(COL4A3):c.2390del (p.Pro797fs)

Genes: MFF-DT (MFF divergent transcript; minus strand), COL4A3 (collagen type IV alpha 3 chain; plus strand). Cytogenetic location: 2q36.3.
Variant type: Deletion.
Coding change: c.2390del on transcript NM_000091.5 (MANE Select); coding-DNA position 2390, one base deleted (C; older notation c.2390delC).
Protein change: p.Pro797fs; shifts the reading frame from proline 797.
Molecular consequence: frameshift variant.
Genome position (GRCh38, 1-based): chr2:227,280,908, C deleted; the last of 2 consecutive C bases (chr2:227,280,907-227,280,908); deleting either gives the same sequence. VCF-style (leftmost placement, unchanged base first): chr2-227280906-GC-G. GRCh37 (hg19) VCF-style: chr2-228145622-GC-G.
Other names: short protein forms P797fs.
Identifiers: ClinVar variation 3236031 (VCV003236031.1), dbSNP rs2469758753, ClinGen allele CA2825001097.